The following is an entry in ClinVar:

ClinVar aggregate classification (germline): Likely benign (1 of 4 stars; one submission).

Conditions:
Pancreatic cancer, susceptibility to, 1. Identifiers: Orphanet 1333, MedGen C1847351, MONDO:0011739, OMIM 606856.

Allele frequency attached by ClinVar (database versions not stated): gnomAD 0.00001; ExAC 0.00002.
gnomAD v4.1: 9 of 1,614,068 alleles (0.00056%); highest among the groups gnomAD compares: Non-Finnish European, 0.00076%; no homozygotes.

Submission:

Illumina Laboratory Services, Illumina
Classification: Likely benign for Pancreatic cancer, susceptibility to, 1. Last evaluated: 2018-01-13. Review status: criteria provided, single submitter. Criteria: ICSL Variant Classification Criteria 13 December 2019. Collection method: clinical testing. Allele origin: germline.
Comment: This variant was observed in the ICSL laboratory as part of a predisposition screen in an ostensibly healthy population. It had not been previously curated by ICSL or reported in the Human Gene Mutation Database (HGMD: prior to June 1st, 2018), and was therefore a candidate for classification through an automated scoring system. Utilizing variant allele frequency, disease prevalence and penetrance estimates, and inheritance mode, an automated score was calculated to assess if this variant is too frequent to cause the disease. Based on the score and internal cut-off values, a variant classified as likely benign is not then subjected to further curation. The score for this variant resulted in a classification of likely benign for this disease.

NM_001166108.2(PALLD):c.608G>T (p.Gly203Val)

Gene: PALLD (palladin, cytoskeletal associated protein; plus strand). Cytogenetic location: 4q32.3.
Variant type: single nucleotide variant.
Coding change: c.608G>T on transcript NM_001166108.2 (MANE Select); coding-DNA position 608, G replaced by T.
Protein change: p.Gly203Val; replaces glycine 203 with valine.
Molecular consequence: missense variant.
Genome position (GRCh38, 1-based): chr4:168,512,112, G>T. VCF-style: chr4-168512112-G-T. GRCh37 (hg19) VCF-style: chr4-169433263-G-T.
Other names: c.608G>T, p.Gly203Val (NM_016081.4); short protein forms G203V.
Identifiers: ClinVar variation 901519 (VCV000901519.4), dbSNP rs770458533, ClinGen allele CA3135399.